The following is an entry in ClinVar:

NM_001377.3(DYNC2H1):c.7380G>A (p.Trp2460Ter)

Gene: DYNC2H1 (dynein cytoplasmic 2 heavy chain 1; plus strand). Cytogenetic location: 11q22.3.
Variant type: single nucleotide variant.
Coding change: c.7380G>A on transcript NM_001377.3 (MANE Select); coding-DNA position 7380, G replaced by A.
Protein change: p.Trp2460Ter; replaces tryptophan 2460 with a stop codon.
Molecular consequence: nonsense.
Genome position (GRCh38, 1-based): chr11:103,189,759, G>A. VCF-style: chr11-103189759-G-A. GRCh37 (hg19) VCF-style: chr11-103060488-G-A.
Other names: c.7380G>A, p.Trp2460Ter (NM_001080463.2); short protein forms W2460*.
Identifiers: ClinVar variation 1425264 (VCV001425264.7), dbSNP rs921573478, ClinGen allele CA227405685.

ClinVar aggregate classification (germline): Pathogenic. Review status: criteria provided, multiple submitters, no conflicts (2 of 4 stars). 2 submissions from 2 submitters: Pathogenic (2). Last evaluated 2024-11-03.

Conditions:
Jeune thoracic dystrophy. Also called: Short-rib thoracic dysplasia; Jeune syndrome; Infantile thoracic dystrophy; Thoracic pelvic phalangeal dystrophy; Jeune's syndrome; Chondroectodermal dysplasia-like syndrome. Identifiers: Orphanet 474, MedGen C0265275, MONDO:0018770.
Asphyxiating thoracic dystrophy 3. Also called: POLYDACTYLY WITH NEONATAL CHONDRODYSTROPHY, TYPE I; SHORT-RIB THORACIC DYSPLASIA 3 WITH OR WITHOUT POLYDACTYLY; SHORT-RIB THORACIC DYSPLASIA 3/6 WITH POLYDACTYLY, DIGENIC; Short rib polydactyly syndrome 2B; Saldino-Noonan Syndrome. Identifiers: Orphanet 474, Orphanet 93269, Orphanet 93270, Orphanet 93271, MedGen C0036069, MONDO:0013127, OMIM 613091.

Allele frequency attached by ClinVar (database versions not stated): TOPMed below 0.00001.

Submissions (2):

Myriad Genetics, Inc.
Classification: Pathogenic for Asphyxiating thoracic dystrophy 3. Last evaluated: 2024-11-03. Review status: criteria provided, single submitter. Criteria: Myriad Autosomal Dominant, Autosomal Recessive and X-Linked Classification Criteria (2023). Collection method: clinical testing. Allele origin: unknown.
Comment: NM_001377.2(DYNC2H1):c.7380G>A(W2460*) is expected to be pathogenic in the context of DYNC2H1-related disorders. This variant is predicted to lead to an abnormal or absent protein product due to the creation of a premature termination codon in DYNC2H1, a gene where loss-of-function variants are known to be pathogenic. Please note: this variant was assessed in the context of healthy population screening.

Labcorp Genetics (formerly Invitae), Labcorp
Classification: Pathogenic for Jeune thoracic dystrophy. Last evaluated: 2023-08-17. Review status: criteria provided, single submitter. Criteria: Invitae Variant Classification Sherloc (09022015). Collection method: clinical testing. Allele origin: germline.
Comment: This sequence change creates a premature translational stop signal (p.Trp2460*) in the DYNC2H1 gene. It is expected to result in an absent or disrupted protein product. Loss-of-function variants in DYNC2H1 are known to be pathogenic (PMID: 23339108, 32753734, 33755199). This variant is not present in population databases (gnomAD no frequency). This variant has not been reported in the literature in individuals affected with DYNC2H1-related conditions. ClinVar contains an entry for this variant (Variation ID: 1425264). For these reasons, this variant has been classified as Pathogenic.

Literature cited by the submitters: PubMed 23339108 (cited by Labcorp Genetics (formerly Invitae), Labcorp); PubMed 32753734 (cited by Labcorp Genetics (formerly Invitae), Labcorp); PubMed 33755199 (cited by Labcorp Genetics (formerly Invitae), Labcorp).